The following is an entry in ClinVar:

NM_022124.6(CDH23):c.2714C>T (p.Ala905Val)

Gene: CDH23 (cadherin related 23; plus strand). Cytogenetic location: 10q22.1.
Variant type: single nucleotide variant.
Coding change: c.2714C>T on transcript NM_022124.6 (MANE Select); coding-DNA position 2714, C replaced by T.
Protein change: p.Ala905Val; replaces alanine 905 with valine.
Molecular consequence: missense variant.
Genome position (GRCh38, 1-based): chr10:71,702,675, C>T. VCF-style: chr10-71702675-C-T. GRCh37 (hg19) VCF-style: chr10-73462432-C-T.
Other names: c.2714C>T, p.Ala905Val (NM_001171930.2, NM_001171931.2); short protein forms A905V.
Identifiers: ClinVar variation 499507 (VCV000499507.7), dbSNP rs201871422, ClinGen allele CA5544301.

ClinVar aggregate classification (germline): Uncertain significance. Review status: criteria provided, multiple submitters, no conflicts (2 of 4 stars). 3 submissions from 3 submitters: Uncertain significance (3). Last evaluated 2024-11-25.

Allele frequency attached by ClinVar (database versions not stated): ExAC 0.00001; gnomAD 0.00001; gnomAD exomes 0.00001; TOPMed 0.00002.
gnomAD v4.1: 21 of 1,613,684 alleles (0.0013%); highest among the groups gnomAD compares: African/African-American, 0.0027%; no homozygotes.

Submissions (3):

Blueprint Genetics
Classification: Uncertain significance. Last evaluated: 2024-11-25. Review status: criteria provided, single submitter. Criteria: ACMG Guidelines, 2015. Collection method: clinical testing. Allele origin: germline.

Labcorp Genetics (formerly Invitae), Labcorp
Classification: Uncertain significance. Last evaluated: 2022-08-05. Review status: criteria provided, single submitter. Criteria: Invitae Variant Classification Sherloc (09022015). Collection method: clinical testing. Allele origin: germline.
Comment: This sequence change replaces alanine, which is neutral and non-polar, with valine, which is neutral and non-polar, at codon 905 of the CDH23 protein (p.Ala905Val). This variant is present in population databases (rs201871422, gnomAD 0.007%). This variant has not been reported in the literature in individuals affected with CDH23-related conditions. ClinVar contains an entry for this variant (Variation ID: 499507). Algorithms developed to predict the effect of missense changes on protein structure and function are either unavailable or do not agree on the potential impact of this missense change (SIFT: "Deleterious"; PolyPhen-2: "Not Available"; Align-GVGD: "Class C55"). Algorithms developed to predict the effect of sequence changes on RNA splicing suggest that this variant may create or strengthen a splice site. In summary, the available evidence is currently insufficient to determine the role of this variant in disease. Therefore, it has been classified as a Variant of Uncertain Significance.

Eurofins Ntd Llc (ga)
Classification: Uncertain significance. Last evaluated: 2017-01-20. Review status: criteria provided, single submitter. Criteria: EGL Classification Definitions 2015. Collection method: clinical testing. Allele origin: germline. Observed: 1 variant allele, 1 heterozygote.